The following is an entry in ClinVar:

ClinVar aggregate classification (germline): Uncertain significance. Review status: criteria provided, multiple submitters, no conflicts (2 of 4 stars). 2 submissions from 2 submitters: Uncertain significance (2). Last evaluated 2024-11-20.

Conditions:
Developmental and epileptic encephalopathy, 57. Also called: EPILEPTIC ENCEPHALOPATHY, EARLY INFANTILE, 57. Identifiers: MedGen C4540411, MONDO:0033366, OMIM 617771.
Inborn genetic diseases. Identifiers: MedGen C0950123, MeSH D030342.

Submissions (2):

Institute of Immunology and Genetics Kaiserslautern
Classification: Uncertain significance for Developmental and epileptic encephalopathy, 57. Last evaluated: 2024-11-20. Review status: criteria provided, single submitter. Criteria: ACMG Guidelines, 2015. Collection method: clinical testing. Allele origin: germline. Affected: yes.
Comment: ACMG Criteria: PM2_P, PP3; Variant was found in heterozygous state

Ambry Genetics
Classification: Uncertain significance for Inborn genetic diseases. Last evaluated: 2024-08-04. Review status: criteria provided, single submitter. Criteria: Ambry Variant Classification Scheme 2023. Collection method: clinical testing. Allele origin: germline.

NM_198503.5(KCNT2):c.2132C>T (p.Ala711Val)

Gene: KCNT2 (potassium sodium-activated channel subfamily T member 2; minus strand). Cytogenetic location: 1q31.3.
Variant type: single nucleotide variant.
Coding change: c.2132C>T on transcript NM_198503.5 (MANE Select); coding-DNA position 2132, C replaced by T.
Protein change: p.Ala711Val; replaces alanine 711 with valine.
Molecular consequence: missense variant. On other transcripts: non-coding transcript variant (2).
Genome position (GRCh38, 1-based): chr1:196,326,861, G>A on the plus strand (C>T on the coding strand, the complement: KCNT2 is on the minus strand). VCF-style: chr1-196326861-G-A. GRCh37 (hg19) VCF-style: chr1-196295991-G-A.
Other names: c.2132C>T, p.Ala711Val (NM_001287819.3); c.1982C>T, p.Ala661Val (NM_001287820.3); short protein forms A711V, A661V.
Identifiers: ClinVar variation 3532696 (VCV003532696.2).